The following is an entry in ClinVar:

NM_000057.4(BLM):c.1418C>T (p.Thr473Ile)

Gene: BLM (BLM RecQ like helicase; plus strand). Cytogenetic location: 15q26.1.
Variant type: single nucleotide variant.
Coding change: c.1418C>T on transcript NM_000057.4 (MANE Select); coding-DNA position 1418, C replaced by T.
Protein change: p.Thr473Ile; replaces threonine 473 with isoleucine.
Molecular consequence: missense variant.
Genome position (GRCh38, 1-based): chr15:90,760,791, C>T. VCF-style: chr15-90760791-C-T. GRCh37 (hg19) VCF-style: chr15-91304021-C-T.
Other names: c.1418C>T, p.Thr473Ile (NM_001287246.2, NM_001287247.2); c.293C>T, p.Thr98Ile (NM_001287248.2); short protein forms T473I, T98I.
Identifiers: ClinVar variation 663081 (VCV000663081.8), dbSNP rs761284618, ClinGen allele CA7738533.

ClinVar aggregate classification (germline): Uncertain significance. Review status: criteria provided, multiple submitters, no conflicts (2 of 4 stars). 2 submissions from 2 submitters: Uncertain significance (2). Last evaluated 2023-06-13.

Conditions:
Hereditary cancer-predisposing syndrome. Also called: Neoplastic Syndromes, Hereditary; Tumor predisposition; Hereditary neoplastic syndrome; Hereditary Cancer Syndrome. Identifiers: Orphanet 140162, MedGen C0027672, MeSH D009386, MONDO:0015356.
Bloom syndrome (BLM). Also called: Bloom-Torre-Machacek syndrome. Identifiers: Orphanet 125, MedGen C0005859, MONDO:0008876, OMIM 210900.

Allele frequency attached by ClinVar (database versions not stated): gnomAD exomes below 0.00001; TOPMed below 0.00001; ExAC 0.00001; gnomAD 0.00001.
gnomAD v4.1: 1 of 1,613,818 alleles (0.000062%); highest among the groups gnomAD compares: Non-Finnish European, 0.000085%; no homozygotes.

Submissions (2):

Labcorp Genetics (formerly Invitae), Labcorp
Classification: Uncertain significance for Bloom syndrome. Last evaluated: 2023-06-13. Review status: criteria provided, single submitter. Criteria: Invitae Variant Classification Sherloc (09022015). Collection method: clinical testing. Allele origin: germline.
Comment: This sequence change replaces threonine, which is neutral and polar, with isoleucine, which is neutral and non-polar, at codon 473 of the BLM protein (p.Thr473Ile). This variant is present in population databases (rs761284618, gnomAD 0.007%). This variant has not been reported in the literature in individuals affected with BLM-related conditions. ClinVar contains an entry for this variant (Variation ID: 663081). Advanced modeling of protein sequence and biophysical properties (such as structural, functional, and spatial information, amino acid conservation, physicochemical variation, residue mobility, and thermodynamic stability) performed at Invitae indicates that this missense variant is not expected to disrupt BLM protein function. In summary, the available evidence is currently insufficient to determine the role of this variant in disease. Therefore, it has been classified as a Variant of Uncertain Significance.

Ambry Genetics
Classification: Uncertain significance for Hereditary cancer-predisposing syndrome. Last evaluated: 2021-07-23. Review status: criteria provided, single submitter. Criteria: Ambry Variant Classification Scheme 2023. Collection method: clinical testing. Allele origin: germline.
Comment: The p.T473I variant (also known as c.1418C>T), located in coding exon 6 of the BLM gene, results from a C to T substitution at nucleotide position 1418. The threonine at codon 473 is replaced by isoleucine, an amino acid with similar properties. This amino acid position is conserved. In addition, this alteration is predicted to be tolerated by in silico analysis. Since supporting evidence is limited at this time, the clinical significance of this alteration remains unclear.